The following is an entry in ClinVar:

ClinVar aggregate classification (germline): Uncertain significance (1 of 4 stars; one submission).

Conditions:
Dyskeratosis congenita, autosomal dominant 2. Identifiers: MedGen C3151443, MONDO:0013521, OMIM 613989.
Idiopathic Pulmonary Fibrosis. Also called: Idiopathic fibrosing alveolitis, chronic form; idiopathic fibrosing alveolitis. Identifiers: Orphanet 2032, MedGen C1800706, MeSH D054990, MONDO:0800504.

Allele frequency attached by ClinVar (database versions not stated): gnomAD exomes 0.00001.
gnomAD v4.1: 8 of 1,582,544 alleles (0.00051%); highest among the groups gnomAD compares: Non-Finnish European, 0.00068%; no homozygotes.

Submission:

Labcorp Genetics (formerly Invitae), Labcorp
Classification: Uncertain significance for Dyskeratosis congenita, autosomal dominant 2; Idiopathic Pulmonary Fibrosis. Last evaluated: 2021-04-08. Review status: criteria provided, single submitter. Criteria: Invitae Variant Classification Sherloc (09022015). Collection method: clinical testing. Allele origin: germline.
Comment: In summary, the available evidence is currently insufficient to determine the role of this variant in disease. Therefore, it has been classified as a Variant of Uncertain Significance. Algorithms developed to predict the effect of missense changes on protein structure and function (SIFT, PolyPhen-2, Align-GVGD) all suggest that this variant is likely to be tolerated, but these predictions have not been confirmed by published functional studies and their clinical significance is uncertain. This variant has not been reported in the literature in individuals with TERT-related conditions. This variant is not present in population databases (ExAC no frequency). This sequence change replaces proline with leucine at codon 186 of the TERT protein (p.Pro186Leu). The proline residue is weakly conserved and there is a moderate physicochemical difference between proline and leucine.

NM_198253.3(TERT):c.557C>T (p.Pro186Leu)

Gene: TERT (telomerase reverse transcriptase; minus strand). Cytogenetic location: 5p15.33.
Variant type: single nucleotide variant.
Coding change: c.557C>T on transcript NM_198253.3 (MANE Select); coding-DNA position 557, C replaced by T.
Protein change: p.Pro186Leu; replaces proline 186 with leucine.
Molecular consequence: missense variant. On other transcripts: non-coding transcript variant (2).
Genome position (GRCh38, 1-based): chr5:1,294,329, G>A on the plus strand (C>T on the coding strand, the complement: TERT is on the minus strand). VCF-style: chr5-1294329-G-A. GRCh37 (hg19) VCF-style: chr5-1294444-G-A.
Other names: c.557C>T, p.Pro186Leu (NM_001193376.3); short protein forms P186L.
Identifiers: ClinVar variation 1349372 (VCV001349372.8), dbSNP rs2126689250, ClinGen allele CA359057519.